The following is an entry in ClinVar:

ClinVar aggregate classification (germline): Uncertain significance. Review status: criteria provided, multiple submitters, no conflicts (2 of 4 stars). 3 submissions from 3 submitters: Uncertain significance (3). Last evaluated 2024-10-12.

Conditions:
Inborn genetic diseases. Identifiers: MedGen C0950123, MeSH D030342.
Congenital myasthenic syndrome 2A. Also called: Myasthenic syndrome, congenital, 2a, slow-channel. Identifiers: Orphanet 590, MedGen C4225374, MONDO:0014581, OMIM 616313.

Allele frequency attached by ClinVar (database versions not stated): ExAC 0.00001; gnomAD exomes 0.00001.

Submissions (3):

Ambry Genetics
Classification: Uncertain significance for Inborn genetic diseases. Last evaluated: 2024-10-12. Review status: criteria provided, single submitter. Criteria: Ambry Variant Classification Scheme 2023. Collection method: clinical testing. Allele origin: germline.

Labcorp Genetics (formerly Invitae), Labcorp
Classification: Uncertain significance for Congenital myasthenic syndrome 2A. Last evaluated: 2022-02-10. Review status: criteria provided, single submitter. Criteria: Invitae Variant Classification Sherloc (09022015). Collection method: clinical testing. Allele origin: germline.
Comment: In summary, the available evidence is currently insufficient to determine the role of this variant in disease. Therefore, it has been classified as a Variant of Uncertain Significance. Advanced modeling of protein sequence and biophysical properties (such as structural, functional, and spatial information, amino acid conservation, physicochemical variation, residue mobility, and thermodynamic stability) performed at Invitae indicates that this missense variant is not expected to disrupt CHRNB1 protein function. This variant has not been reported in the literature in individuals affected with CHRNB1-related conditions. This variant is present in population databases (rs750490746, gnomAD 0.003%). This sequence change replaces threonine, which is neutral and polar, with lysine, which is basic and polar, at codon 491 of the CHRNB1 protein (p.Thr491Lys).

Revvity Omics, Revvity
Classification: Uncertain significance. Last evaluated: 2019-02-08. Review status: criteria provided, single submitter. Criteria: ACMG Guidelines, 2015. Collection method: clinical testing. Allele origin: germline.

NM_000747.3(CHRNB1):c.1472C>A (p.Thr491Lys)

Gene: CHRNB1 (cholinergic receptor nicotinic beta 1 subunit; plus strand). Cytogenetic location: 17p13.1.
Variant type: single nucleotide variant.
Coding change: c.1472C>A on transcript NM_000747.3 (MANE Select); coding-DNA position 1472, C replaced by A.
Protein change: p.Thr491Lys; replaces threonine 491 with lysine.
Molecular consequence: missense variant.
Genome position (GRCh38, 1-based): chr17:7,456,689, C>A. VCF-style: chr17-7456689-C-A. GRCh37 (hg19) VCF-style: chr17-7360008-C-A.
Other names: c.1472C>A (NM_000747.2); short protein forms T491K.
Identifiers: ClinVar variation 1400717 (VCV001400717.11), dbSNP rs750490746, ClinGen allele CA8348078.